The following is an entry in ClinVar:

ClinVar aggregate classification (germline): Conflicting classifications of pathogenicity. Review status: criteria provided, conflicting classifications (1 of 4 stars). 5 submissions from 5 submitters: Uncertain significance (4); Benign (1). Last evaluated 2026-01-21.

Conditions:
Hereditary cancer-predisposing syndrome. Also called: Neoplastic Syndromes, Hereditary; Tumor predisposition; Hereditary neoplastic syndrome; Hereditary Cancer Syndrome. Identifiers: Orphanet 140162, MedGen C0027672, MeSH D009386, MONDO:0015356.
Renal cell carcinoma. Identifiers: Orphanet 217071, MedGen C0007134, MeSH D002292, MONDO:0005086, HP:0005584.
Papillary renal cell carcinoma type 1 (RCCP1). Also called: Renal adenocarcinoma; Renal cell carcinoma 1; Renal cell carcinoma, somatic; RENAL CELL CARCINOMA, PAPILLARY, 1, SOMATIC. Identifiers: Orphanet 47044, MedGen C1336839, OMIM 605074, HP:0011797.
Autosomal recessive nonsyndromic hearing loss 97. Also called: Deafness, autosomal recessive 97. Identifiers: Orphanet 90636, MedGen C4084709, MONDO:0014739, OMIM 616705.

Allele frequency attached by ClinVar (database versions not stated): TOPMed 0.00004; ExAC 0.00005; gnomAD 0.00005; gnomAD exomes 0.00005.
gnomAD v4.1: 72 of 1,613,414 alleles (0.0045%); highest among the groups gnomAD compares: Admixed American, 0.0067%; no homozygotes.

Submissions (5):

Labcorp Genetics (formerly Invitae), Labcorp
Classification: Uncertain significance for Renal cell carcinoma. Last evaluated: 2026-01-21. Review status: criteria provided, single submitter. Criteria: Invitae Variant Classification Sherloc (09022015). Collection method: clinical testing. Allele origin: germline.
Comment: This sequence change replaces valine, which is neutral and non-polar, with isoleucine, which is neutral and non-polar, at codon 910 of the MET protein (p.Val910Ile). This variant is present in population databases (rs761243391, gnomAD 0.009%). This variant has not been reported in the literature in individuals affected with MET-related conditions. ClinVar contains an entry for this variant (Variation ID: 567864). Invitae Evidence Modeling of protein sequence and biophysical properties (such as structural, functional, and spatial information, amino acid conservation, physicochemical variation, residue mobility, and thermodynamic stability) indicates that this missense variant is not expected to disrupt MET protein function with a negative predictive value of 80%. In summary, the available evidence is currently insufficient to determine the role of this variant in disease. Therefore, it has been classified as a Variant of Uncertain Significance.

Ambry Genetics
Classification: Benign for Hereditary cancer-predisposing syndrome. Last evaluated: 2024-01-09. Review status: criteria provided, single submitter. Criteria: Ambry Variant Classification Scheme 2023. Collection method: clinical testing. Allele origin: germline.

Baylor Genetics
Classification: Uncertain significance for Autosomal recessive nonsyndromic hearing loss 97. Last evaluated: 2023-11-10. Review status: criteria provided, single submitter. Criteria: ACMG Guidelines, 2015. Collection method: clinical testing. Allele origin: unknown.

St. Jude Molecular Pathology, St. Jude Children's Research Hospital
Classification: Uncertain significance for Papillary renal cell carcinoma type 1. Last evaluated: 2022-10-06. Review status: criteria provided, single submitter. Criteria: St. Jude Assertion Criteria 2020. Collection method: clinical testing. Allele origin: germline.
Comment: The MET c.2728G>A (p.Val910Ile) missense change has a maximum frequency of 0.0085% in gnomAD v2.1.1. The in silico tool REVEL predicts a benign effect on protein function, but to our knowledge this prediction has not been confirmed by functional studies. To our knowledge, this variant has not been reported in individuals with hereditary papillary renal cell carcinoma. In summary, the evidence currently available is insufficient to determine the clinical significance of this variant. It has therefore been classified as of uncertain significance.

GeneDx
Classification: Uncertain significance. Last evaluated: 2022-06-07. Review status: criteria provided, single submitter. Criteria: GeneDx Variant Classification Process June 2021. Collection method: clinical testing. Allele origin: germline. Affected: yes.
Comment: In silico analysis, which includes protein predictors and evolutionary conservation, supports that this variant does not alter protein structure/function; Has not been previously published as pathogenic or benign to our knowledge

Literature cited by the submitters: PubMed 29684080 (cited by Ambry Genetics).

NM_000245.4(MET):c.2674G>A (p.Val892Ile)

Gene: MET (MET proto-oncogene, receptor tyrosine kinase; plus strand). Cytogenetic location: 7q31.2.
Variant type: single nucleotide variant.
Coding change: c.2674G>A on transcript NM_000245.4 (MANE Select); coding-DNA position 2674, G replaced by A.
Protein change: p.Val892Ile; replaces valine 892 with isoleucine.
Molecular consequence: missense variant.
Genome position (GRCh38, 1-based): chr7:116,769,735, G>A. VCF-style: chr7-116769735-G-A. GRCh37 (hg19) VCF-style: chr7-116409789-G-A.
Other names: c.2728G>A, p.Val910Ile (NM_001127500.3); c.2674G>A, p.Val892Ile (NM_001324401.3); c.1384G>A, p.Val462Ile (NM_001324402.2); short protein forms V910I, V892I, V462I.
Identifiers: ClinVar variation 567864 (VCV000567864.20), dbSNP rs761243391, ClinGen allele CA4448547.